The following is an entry in ClinVar:

NM_000051.4(ATM):c.8546G>T (p.Arg2849Leu)

Genes: ATM (ATM serine/threonine kinase; plus strand), C11orf65 (chromosome 11 open reading frame 65; minus strand). Cytogenetic location: 11q22.3.
Variant type: single nucleotide variant.
Coding change: c.8546G>T on transcript NM_000051.4 (MANE Select); coding-DNA position 8546, G replaced by T.
Protein change: p.Arg2849Leu; replaces arginine 2849 with leucine.
Molecular consequence: missense variant. On other transcripts: intron variant (2).
Genome position (GRCh38, 1-based): chr11:108,345,870, G>T. VCF-style: chr11-108345870-G-T. GRCh37 (hg19) VCF-style: chr11-108216597-G-T.
Other names: c.8546G>T, p.Arg2849Leu (NM_001351834.2); c.641-36799C>A (NM_001330368.2); c.695-10578C>A (NM_001351110.2); short protein forms R2849L.
Identifiers: ClinVar variation 2568201 (VCV002568201.3), dbSNP rs587782202, ClinGen allele CA382518441.

ClinVar aggregate classification (germline): Conflicting classifications of pathogenicity. Review status: criteria provided, conflicting classifications (1 of 4 stars). 2 submissions from 2 submitters: Likely pathogenic (1); Uncertain significance (1). Last evaluated 2025-11-22.

Conditions:
Ataxia-telangiectasia syndrome (AT). Also called: LOUIS-BAR SYNDROME; Cerebello-oculocutaneous telangiectasia; Immunodeficiency with ataxia telangiectasia; Ataxia-telangiectasia, complementation group E; Ataxia-telangiectasia, complementation group D; AT, COMPLEMENTATION GROUP C. Identifiers: Orphanet 100, MedGen C0004135, MONDO:0008840, OMIM 208900.
Hereditary cancer-predisposing syndrome. Also called: Hereditary Cancer Syndrome; Hereditary neoplastic syndrome; Neoplastic Syndromes, Hereditary; Tumor predisposition. Identifiers: Orphanet 140162, MedGen C0027672, MeSH D009386, MONDO:0015356.

Submissions (2):

Labcorp Genetics (formerly Invitae), Labcorp
Classification: Likely pathogenic for Ataxia-telangiectasia syndrome. Last evaluated: 2025-11-22. Review status: criteria provided, single submitter. Criteria: Invitae Variant Classification Sherloc (09022015). Collection method: clinical testing. Allele origin: germline.
Comment: This sequence change replaces arginine, which is basic and polar, with leucine, which is neutral and non-polar, at codon 2849 of the ATM protein (p.Arg2849Leu). This variant is not present in population databases (gnomAD no frequency). This variant has not been reported in the literature in individuals affected with ATM-related conditions. ClinVar contains an entry for this variant (Variation ID: 2568201). Invitae Evidence Modeling of protein sequence and biophysical properties (such as structural, functional, and spatial information, amino acid conservation, physicochemical variation, residue mobility, and thermodynamic stability) indicates that this missense variant is expected to disrupt ATM protein function with a positive predictive value of 95%. This variant disrupts the p.Arg2849 amino acid residue in ATM. Other variant(s) that disrupt this residue have been determined to be pathogenic (PMID: 9887333, 11805335, 23667852). This suggests that this residue is clinically significant, and that variants that disrupt this residue are likely to be disease-causing. In summary, the currently available evidence indicates that the variant is pathogenic, but additional data are needed to prove that conclusively. Therefore, this variant has been classified as Likely Pathogenic.

Ambry Genetics
Classification: Uncertain significance for Hereditary cancer-predisposing syndrome. Last evaluated: 2023-05-15. Review status: criteria provided, single submitter. Criteria: Ambry Variant Classification Scheme 2023. Collection method: clinical testing. Allele origin: germline.
Comment: The p.R2849L variant (also known as c.8546G>T), located in coding exon 57 of the ATM gene, results from a G to T substitution at nucleotide position 8546. The arginine at codon 2849 is replaced by leucine, an amino acid with dissimilar properties. This amino acid position is highly conserved in available vertebrate species. In addition, this alteration is predicted to be deleterious by in silico analysis. Since supporting evidence is limited at this time, the clinical significance of this alteration remains unclear.

Literature cited by the submitters: PubMed 9887333 (cited by Labcorp Genetics (formerly Invitae), Labcorp); PubMed 11805335 (cited by Labcorp Genetics (formerly Invitae), Labcorp); PubMed 23667852 (cited by Labcorp Genetics (formerly Invitae), Labcorp).